The following is an entry in ClinVar:

NM_001606.5(ABCA2):c.4474C>A (p.Pro1492Thr)

Gene: ABCA2 (ATP binding cassette subfamily A member 2; minus strand). Cytogenetic location: 9q34.3.
Variant type: single nucleotide variant.
Coding change: c.4474C>A on transcript NM_001606.5 (MANE Select); coding-DNA position 4474, C replaced by A.
Protein change: p.Pro1492Thr; replaces proline 1492 with threonine.
Molecular consequence: missense variant.
Genome position (GRCh38, 1-based): chr9:137,013,537, G>T on the plus strand (C>A on the coding strand, the complement: ABCA2 is on the minus strand). VCF-style: chr9-137013537-G-T. GRCh37 (hg19) VCF-style: chr9-139907989-G-T.
Other names: c.4471C>A, p.Pro1491Thr (NM_001411042.1); c.4564C>A, p.Pro1522Thr (NM_212533.3); short protein forms P1491T, P1492T, P1522T.
Identifiers: ClinVar variation 5020052 (VCV005020052.2).
Genomic context (GRCh38, chr9:137,013,537, plus strand): 5'-CCTCGTTGGCGTAGGGGATGAAATTGCCACGGGGCTGGGTGTAGTTGTGGTACTGGGAAG[G>T]TGACAGGACCAGCGGGGGCAGATCACCTGGCAGGGCGAGCAGGGAGGCCTGAGCAGGTTC-3'
Protein context (NP_001597.2, residues 1482-1502): IGDLPPLVLS[Pro1492Thr]SQYHNYTQPR

ClinVar aggregate classification (germline): Uncertain significance (1 of 4 stars; one submission).

Conditions:
Intellectual developmental disorder with poor growth and with or without seizures or ataxia. Identifiers: MedGen C5394135, MONDO:0032930, OMIM 618808.

Submission:

Juno Genomics, Hangzhou Juno Genomics, Inc
Classification: Uncertain significance for Intellectual developmental disorder with poor growth and with or without seizures or ataxia. Review status: criteria provided, single submitter. Criteria: ACMG Guidelines, 2015. Collection method: clinical testing. Allele origin: germline.
Comment: Absent from controls (or at extremely low frequency if recessive) in Genome Aggregation Database.;Multiple lines of computational evidence support a deleterious effect on the gene or gene product.;Missense variant in a gene that has a low rate of benign missense variation.